The following is an entry in ClinVar:

ClinVar aggregate classification (germline): Conflicting classifications of pathogenicity. Review status: criteria provided, conflicting classifications (1 of 4 stars). 4 submissions from 4 submitters: Uncertain significance (3); Likely benign (1). Last evaluated 2025-03-17.

Conditions:
Inborn genetic diseases. Identifiers: MedGen C0950123, MeSH D030342.

Allele frequency attached by ClinVar (database versions not stated): ExAC 0.00005; gnomAD 0.00009; gnomAD exomes 0.00002 and 0.00001; ESP Exome Variant Server 0.00017; TOPMed 0.00011.
gnomAD v4.1: 27 of 1,608,364 alleles (0.0017%); highest among the groups gnomAD compares: African/African-American, 0.021%; no homozygotes.

Submissions (4):

Labcorp Genetics (formerly Invitae), Labcorp
Classification: Likely benign. Last evaluated: 2025-03-17. Review status: criteria provided, single submitter. Criteria: Invitae Variant Classification Sherloc (09022015). Collection method: clinical testing. Allele origin: germline.

Ambry Genetics
Classification: Uncertain significance for Inborn genetic diseases. Last evaluated: 2025-01-02. Review status: criteria provided, single submitter. Criteria: Ambry Variant Classification Scheme 2023. Collection method: clinical testing. Allele origin: germline.

GeneDx
Classification: Uncertain significance. Last evaluated: 2024-12-12. Review status: criteria provided, single submitter. Criteria: GeneDx Variant Classification Process June 2021. Collection method: clinical testing. Allele origin: germline. Affected: yes.
Comment: In silico analysis supports that this missense variant has a deleterious effect on protein structure/function; Has not been previously published as pathogenic or benign to our knowledge

Blueprint Genetics
Classification: Uncertain significance. Last evaluated: 2023-05-18. Review status: criteria provided, single submitter. Criteria: ACMG Guidelines, 2015. Collection method: clinical testing. Allele origin: germline.

NM_032119.4(ADGRV1):c.7078C>T (p.Arg2360Cys)

Gene: ADGRV1 (adhesion G protein-coupled receptor V1; plus strand). Cytogenetic location: 5q14.3.
Variant type: single nucleotide variant.
Coding change: c.7078C>T on transcript NM_032119.4 (MANE Select); coding-DNA position 7078, C replaced by T.
Protein change: p.Arg2360Cys; replaces arginine 2360 with cysteine.
Molecular consequence: missense variant. On other transcripts: non-coding transcript variant (1).
Genome position (GRCh38, 1-based): chr5:90,692,731, C>T. VCF-style: chr5-90692731-C-T. GRCh37 (hg19) VCF-style: chr5-89988548-C-T.
Other names: c.7078C>T (NM_032119.3); short protein forms R2360C.
Identifiers: ClinVar variation 1059577 (VCV001059577.10), dbSNP rs369782677, ClinGen allele CA3339963.
Genomic context (GRCh38, chr5:90,692,731, plus strand): 5'-ATTATTATTCCTGCCAATGATGATCCTTATGGTACAGTAGCCTTTGCTCAGATGGTTTAT[C>T]GTGTTCAAGAGCCTCTGGAAAGAAGTTCCTGTGCTAATATAACTGTCAGGCGAAGGTATA-3'
Protein context (NP_115495.3, residues 2350-2370): GTVAFAQMVY[Arg2360Cys]VQEPLERSSC